The following is an entry in ClinVar:

NM_000090.4(COL3A1):c.1438G>A (p.Gly480Arg)

Gene: COL3A1 (collagen type III alpha 1 chain; plus strand). Cytogenetic location: 2q32.2.
Variant type: single nucleotide variant.
Coding change: c.1438G>A on transcript NM_000090.4 (MANE Select); coding-DNA position 1438, G replaced by A.
Protein change: p.Gly480Arg; replaces glycine 480 with arginine.
Molecular consequence: missense variant.
Genome position (GRCh38, 1-based): chr2:188,994,814, G>A. VCF-style: chr2-188994814-G-A. GRCh37 (hg19) VCF-style: chr2-189859540-G-A.
Other names: short protein forms G480R.
Identifiers: ClinVar variation 2084590 (VCV002084590.4), dbSNP rs2469130364, ClinGen allele CA349851920.
Genomic context (GRCh38, chr2:188,994,814, plus strand): 5'-GCTAAAGGCGAAGATGGCAAGGATGGATCACCTGGAGAACCTGGTGCAAATGGGCTTCCA[G>A]GAGCTGCAGGAGAAAGGGTACGTTTTCCATGGGGCATCTAAAAGAAAAGCAGCATCACTG-3'
Protein context (NP_000081.2, residues 470-490): PGEPGANGLP[Gly480Arg]AAGERGAPGF

ClinVar aggregate classification (germline): Likely pathogenic (1 of 4 stars; one submission).

Conditions:
Ehlers-Danlos syndrome, type 4 (EDSVASC). Also called: Ehlers-Danlos syndrome vascular type; Ehlers Danlos syndrome, ecchymotic type; Ehlers Danlos syndrome, arterial type; Ehlers Danlos syndrome, Sack-Barabas type; Ehlers-Danlos Syndrome Type IV. Identifiers: Orphanet 286, MedGen C0268338, MONDO:0017314, OMIM 130050.

Submission:

Labcorp Genetics (formerly Invitae), Labcorp
Classification: Likely pathogenic for Ehlers-Danlos syndrome, type 4. Last evaluated: 2023-01-22. Review status: criteria provided, single submitter. Criteria: Invitae Variant Classification Sherloc (09022015). Collection method: clinical testing. Allele origin: germline.
Comment: This sequence change replaces glycine, which is neutral and non-polar, with arginine, which is basic and polar, at codon 480 of the COL3A1 protein (p.Gly480Arg). This variant is not present in population databases (gnomAD no frequency). This variant has not been reported in the literature in individuals affected with COL3A1-related conditions. Advanced modeling of protein sequence and biophysical properties (such as structural, functional, and spatial information, amino acid conservation, physicochemical variation, residue mobility, and thermodynamic stability) performed at Invitae indicates that this missense variant is expected to disrupt COL3A1 protein function. This variant disrupts the triple helix domain of COL3A1. Glycine residues within the Gly-Xaa-Yaa repeats of the triple helix domain are required for the structure and stability of fibrillar collagens (PMID: 7695699, 8218237, 19344236). In COL3A1, variants that affect these glycine residues are significantly enriched in individuals with disease (PMID: 24922459, 25758994) compared to the general population (ExAC). In summary, the currently available evidence indicates that the variant is pathogenic, but additional data are needed to prove that conclusively. Therefore, this variant has been classified as Likely Pathogenic.

Literature cited by the submitters: PubMed 7695699; PubMed 8218237; PubMed 19344236; PubMed 24922459; PubMed 25758994.